The following is an entry in ClinVar:

NM_015450.3(POT1):c.1069C>G (p.Pro357Ala)

Gene: POT1 (protection of telomeres 1; minus strand). Cytogenetic location: 7q31.33.
Variant type: single nucleotide variant.
Coding change: c.1069C>G on transcript NM_015450.3 (MANE Select); coding-DNA position 1069, C replaced by G.
Protein change: p.Pro357Ala; replaces proline 357 with alanine.
Molecular consequence: missense variant. On other transcripts: non-coding transcript variant (3).
Genome position (GRCh38, 1-based): chr7:124,842,901, G>C on the plus strand (C>G on the coding strand, the complement: POT1 is on the minus strand). VCF-style: chr7-124842901-G-C. GRCh37 (hg19) VCF-style: chr7-124482955-G-C.
Other names: c.676C>G, p.Pro226Ala (NM_001042594.2); short protein forms P357A, P226A.
Identifiers: ClinVar variation 574944 (VCV000574944.13), dbSNP rs748578303, ClinGen allele CA4465236.
Genomic context (GRCh38, chr7:124,842,901, plus strand): 5'-ACTGAAATAGTCTTCTGGGCTTATATGACCTCAATTTTGCTCGGATGCGGTATTGTTGAG[G>C]AGCTTTTTGTTTCAAAATGGCACATAGTGGTGTCCTCTCCAAATACTGATGATCTGTAAG-3'
Protein context (NP_056265.2, residues 347-367): PLCAILKQKA[Pro357Ala]QQYRIRAKLR

ClinVar aggregate classification (germline): Uncertain significance. Review status: criteria provided, multiple submitters, no conflicts (2 of 4 stars). 3 submissions from 3 submitters: Uncertain significance (3). Last evaluated 2025-10-29.

Conditions:
Hereditary cancer-predisposing syndrome. Also called: Tumor predisposition; Neoplastic Syndromes, Hereditary; Hereditary neoplastic syndrome; Hereditary Cancer Syndrome. Identifiers: Orphanet 140162, MedGen C0027672, MeSH D009386, MONDO:0015356.
Tumor predisposition syndrome 3 (TPDS3). Also called: Melanoma, cutaneous malignant, susceptibility to, 10; LONG TELOMERE SYNDROME, POT1-RELATED; POT1 Tumor Predisposition; Glioma susceptibility 9. Identifiers: Orphanet 618, MedGen C4014476, MONDO:0014368, OMIM 615848.

Submissions (3):

Labcorp Genetics (formerly Invitae), Labcorp
Classification: Uncertain significance for Tumor predisposition syndrome 3. Last evaluated: 2025-10-29. Review status: criteria provided, single submitter. Criteria: Invitae Variant Classification Sherloc (09022015). Collection method: clinical testing. Allele origin: germline.
Comment: This sequence change replaces proline, which is neutral and non-polar, with alanine, which is neutral and non-polar, at codon 357 of the POT1 protein (p.Pro357Ala). This variant is present in population databases (rs748578303, gnomAD 0.006%). This variant has not been reported in the literature in individuals affected with POT1-related conditions. ClinVar contains an entry for this variant (Variation ID: 574944). Invitae Evidence Modeling of protein sequence and biophysical properties (such as structural, functional, and spatial information, amino acid conservation, physicochemical variation, residue mobility, and thermodynamic stability) indicates that this missense variant is not expected to disrupt POT1 protein function with a negative predictive value of 80%. In summary, the available evidence is currently insufficient to determine the role of this variant in disease. Therefore, it has been classified as a Variant of Uncertain Significance.

Ambry Genetics
Classification: Uncertain significance for Hereditary cancer-predisposing syndrome. Last evaluated: 2025-07-15. Review status: criteria provided, single submitter. Criteria: Ambry Variant Classification Scheme 2023. Collection method: clinical testing. Allele origin: germline.
Comment: The p.P357A variant (also known as c.1069C>G), located in coding exon 9 of the POT1 gene, results from a C to G substitution at nucleotide position 1069. The proline at codon 357 is replaced by alanine, an amino acid with highly similar properties. This amino acid position is highly conserved in available vertebrate species. In addition, the in silico prediction for this alteration is inconclusive. Based on the available evidence, the clinical significance of this variant remains unclear.

Sema4
Classification: Uncertain significance for Hereditary cancer-predisposing syndrome. Last evaluated: 2021-10-14. Review status: criteria provided, single submitter. Criteria: Sema4 Curation Guidelines. Collection method: curation. Allele origin: germline.
Comment: The POT1 c.1069C>G (p.P357A) variant has not been reported in the literature to our knowledge. It was observed in 2/246746 chromosomes in the large and broad cohorts of the Genome Aggregation Database (PMID: 32461654), and has been reported in ClinVar (Variation ID: 574944). Functional studies have not been performed, and in silico predictions of the variant's effect on protein function are inconclusive. The evidence is insufficient to meet ACMG/AMP criteria for classifying the variant as benign or pathogenic. Thus, the clinical significance of this variant is currently uncertain.